The following is an entry in ClinVar:

NM_004064.5(CDKN1B):c.563C>T (p.Pro188Leu)

Gene: CDKN1B (cyclin dependent kinase inhibitor 1B; plus strand). Cytogenetic location: 12p13.1.
Variant type: single nucleotide variant.
Coding change: c.563C>T on transcript NM_004064.5 (MANE Select); coding-DNA position 563, C replaced by T.
Protein change: p.Pro188Leu; replaces proline 188 with leucine.
Molecular consequence: missense variant.
Genome position (GRCh38, 1-based): chr12:12,718,912, C>T. VCF-style: chr12-12718912-C-T. GRCh37 (hg19) VCF-style: chr12-12871846-C-T.
Other names: short protein forms P188L.
Identifiers: ClinVar variation 2778098 (VCV002778098.3), dbSNP rs2497407691, ClinGen allele CA383973146.

ClinVar aggregate classification (germline): Uncertain significance (1 of 4 stars; one submission).

Conditions:
Multiple endocrine neoplasia type 4. Also called: MULTIPLE ENDOCRINE NEOPLASIA, TYPE IV. Identifiers: Orphanet 276152, MedGen C1970712, MONDO:0012552, OMIM 610755.

Submission:

Labcorp Genetics (formerly Invitae), Labcorp
Classification: Uncertain significance for Multiple endocrine neoplasia type 4. Last evaluated: 2023-12-31. Review status: criteria provided, single submitter. Criteria: Invitae Variant Classification Sherloc (09022015). Collection method: clinical testing. Allele origin: germline.
Comment: This sequence change replaces proline, which is neutral and non-polar, with leucine, which is neutral and non-polar, at codon 188 of the CDKN1B protein (p.Pro188Leu). This variant is not present in population databases (gnomAD no frequency). This variant has not been reported in the literature in individuals affected with CDKN1B-related conditions. An algorithm developed to predict the effect of missense changes on protein structure and function (PolyPhen-2) suggests that this variant is likely to be disruptive. In summary, the available evidence is currently insufficient to determine the role of this variant in disease. Therefore, it has been classified as a Variant of Uncertain Significance.